The following is an entry in ClinVar:

ClinVar aggregate classification (germline): Conflicting classifications of pathogenicity. Review status: criteria provided, conflicting classifications (1 of 4 stars). 5 submissions from 5 submitters: Uncertain significance (1); Benign (1); Likely benign (2). 1 of the submissions does not count toward it. Last evaluated 2026-01-12.

Conditions:
Hereditary cancer-predisposing syndrome. Also called: Neoplastic Syndromes, Hereditary; Hereditary Cancer Syndrome; Tumor predisposition; Hereditary neoplastic syndrome. Identifiers: Orphanet 140162, MedGen C0027672, MeSH D009386, MONDO:0015356.
Baller-Gerold syndrome (BGS). Also called: CRANIOSYNOSTOSIS WITH RADIAL DEFECTS. Identifiers: Orphanet 1225, MedGen C0265308, MONDO:0009039, OMIM 218600.
RECQL4-related disorder. Also called: RECQL4-related condition; RECQL4-related disorders.

Allele frequency attached by ClinVar (database versions not stated): gnomAD 0.00002; gnomAD exomes 0.00003 and 0.00019; TOPMed 0.00006; ExAC 0.00020.

Submissions (5):

Labcorp Genetics (formerly Invitae), Labcorp
Classification: Benign for Baller-Gerold syndrome. Last evaluated: 2026-01-12. Review status: criteria provided, single submitter. Criteria: Invitae Variant Classification Sherloc (09022015). Collection method: clinical testing. Allele origin: germline.

Blueprint Genetics
Classification: Likely benign. Last evaluated: 2024-11-18. Review status: criteria provided, single submitter. Criteria: ACMG Guidelines, 2015. Collection method: clinical testing. Allele origin: germline.

Sema4
Classification: Likely benign for Hereditary cancer-predisposing syndrome. Last evaluated: 2021-11-01. Review status: criteria provided, single submitter. Criteria: Sema4 Curation Guidelines. Collection method: curation. Allele origin: germline.

Eurofins Ntd Llc (ga)
Classification: Uncertain significance. Last evaluated: 2017-11-13. Review status: criteria provided, single submitter. Criteria: EGL Classification Definitions 2015. Collection method: clinical testing. Allele origin: germline. Observed: 1 variant allele, 1 heterozygote.

PreventionGenetics, part of Exact Sciences
Classification: Likely benign for RECQL4-related condition. Last evaluated: 2024-05-08. Review status: no assertion criteria provided. Collection method: clinical testing. Allele origin: germline. Not counted in ClinVar's aggregate classification.
Comment: This variant is classified as likely benign based on ACMG/AMP sequence variant interpretation guidelines (Richards et al. 2015 PMID: 25741868, with internal and published modifications).

NM_004260.4(RECQL4):c.969C>T (p.Ser323=)

Gene: RECQL4 (RecQ like helicase 4; minus strand). Cytogenetic location: 8q24.3.
Variant type: single nucleotide variant.
Coding change: c.969C>T on transcript NM_004260.4 (MANE Select); coding-DNA position 969, C replaced by T.
Protein change: p.Ser323=; no amino-acid change (serine 323 retained).
Molecular consequence: synonymous variant.
Genome position (GRCh38, 1-based): chr8:144,516,150, G>A on the plus strand (C>T on the coding strand, the complement: RECQL4 is on the minus strand). VCF-style: chr8-144516150-G-A. GRCh37 (hg19) VCF-style: chr8-145741534-G-A.
Identifiers: ClinVar variation 239785 (VCV000239785.18), dbSNP rs745658597, ClinGen allele CA4949123.